The following is an entry in ClinVar:

ClinVar aggregate classification (germline): Benign. Review status: criteria provided, multiple submitters, no conflicts (2 of 4 stars). 2 submissions from 2 submitters: Benign (2). Last evaluated 2024-01-24.

Submissions (2):

Unidad de Genómica Garrahan, Hospital de Pediatría Garrahan
Classification: Benign. Last evaluated: 2024-01-24. Review status: criteria provided, single submitter. Criteria: ACMG Guidelines, 2015. Collection method: clinical testing. Allele origin: germline. Affected: no. Observed: 23 variant alleles.
Comment: This variant is classified as Benign based on local population frequency. This variant was detected in 26% of patients studied by a panel of primary immunodeficiencies. Number of patients: 23. Only high quality variants are reported.

GeneDx
Classification: Benign. Last evaluated: 2021-05-15. Review status: criteria provided, single submitter. Criteria: GeneDx Variant Classification Process June 2021. Collection method: clinical testing. Allele origin: germline. Affected: yes.

NM_031229.4(RBCK1):c.168-130TG[13]

Gene: RBCK1 (RANBP2-type and C3HC4-type zinc finger containing 1; plus strand). Cytogenetic location: 20p13.
Variant type: Microsatellite.
Coding change: c.168-130TG[13] on transcript NM_031229.4 (MANE Select); 13 copies in a row of the 2-base unit TG starting at c.168-130; the reference has 14 copies in a row; one copy, 2 bases deleted.
Molecular consequence: intron variant.
Genome position (GRCh38, 1-based): chr20:417,422-417,423, TG deleted; deleting any 2 consecutive bases within chr20:417,396-417,423 gives the same sequence; the position shown is the placement nearest the transcript's 3' end. VCF-style (leftmost placement, unchanged base first): chr20-417395-TTG-T. GRCh37 (hg19) VCF-style: chr20-398039-TTG-T.
Other names: c.-182-130TG[13] (NM_001323956.2, NM_001323958.2); c.42-130TG[13] (NM_006462.6).
Identifiers: ClinVar variation 1231078 (VCV001231078.5), dbSNP rs67707964, ClinGen allele CA310673650.